The following is an entry in ClinVar:

ClinVar aggregate classification (germline): Uncertain significance (1 of 4 stars; one submission).

Conditions:
Holoprosencephaly sequence (HPE). Also called: Holoprosencephaly. Identifiers: Orphanet 2162, MedGen C0079541, MONDO:0016296, HP:0001360.

gnomAD v4.1: 14 of 1,610,572 alleles (0.00087%); highest among the groups gnomAD compares: Non-Finnish European, 0.00093%; no homozygotes.

Submission:

Labcorp Genetics (formerly Invitae), Labcorp
Classification: Uncertain significance for Holoprosencephaly sequence. Last evaluated: 2025-12-29. Review status: criteria provided, single submitter. Criteria: Invitae Variant Classification Sherloc (09022015). Collection method: clinical testing. Allele origin: germline.
Comment: This sequence change replaces alanine, which is neutral and non-polar, with threonine, which is neutral and polar, at codon 259 of the FOXH1 protein (p.Ala259Thr). This variant is present in population databases (rs766633958, gnomAD 0.003%). This variant has not been reported in the literature in individuals affected with FOXH1-related conditions. ClinVar contains an entry for this variant (Variation ID: 3671061). Invitae Evidence Modeling of protein sequence and biophysical properties (such as structural, functional, and spatial information, amino acid conservation, physicochemical variation, residue mobility, and thermodynamic stability) indicates that this missense variant is not expected to disrupt FOXH1 protein function with a negative predictive value of 80%. In summary, the available evidence is currently insufficient to determine the role of this variant in disease. Therefore, it has been classified as a Variant of Uncertain Significance.

NM_003923.3(FOXH1):c.775G>A (p.Ala259Thr)

Gene: FOXH1 (forkhead box H1; minus strand). Cytogenetic location: 8q24.3.
Variant type: single nucleotide variant.
Coding change: c.775G>A on transcript NM_003923.3 (MANE Select); coding-DNA position 775, G replaced by A.
Protein change: p.Ala259Thr; replaces alanine 259 with threonine.
Molecular consequence: missense variant.
Genome position (GRCh38, 1-based): chr8:144,474,561, C>T on the plus strand (G>A on the coding strand, the complement: FOXH1 is on the minus strand). VCF-style: chr8-144474561-C-T. GRCh37 (hg19) VCF-style: chr8-145699944-C-T.
Other names: short protein forms A259T.
Identifiers: ClinVar variation 3671061 (VCV003671061.2).